The following is an entry in ClinVar:

NM_001982.4(ERBB3):c.650A>C (p.His217Pro)

Gene: ERBB3 (erb-b2 receptor tyrosine kinase 3; plus strand). Cytogenetic location: 12q13.2.
Variant type: single nucleotide variant.
Coding change: c.650A>C on transcript NM_001982.4 (MANE Select); coding-DNA position 650, A replaced by C.
Protein change: p.His217Pro; replaces histidine 217 with proline.
Molecular consequence: missense variant.
Genome position (GRCh38, 1-based): chr12:56,087,831, A>C. VCF-style: chr12-56087831-A-C. GRCh37 (hg19) VCF-style: chr12-56481615-A-C.
Other names: short protein forms H217P.
Identifiers: ClinVar variation 2585366 (VCV002585366.1), dbSNP rs2136793945, ClinGen allele CA385285287.

ClinVar aggregate classification (germline): Uncertain significance (1 of 4 stars; one submission).

Conditions:
Lethal congenital contracture syndrome 2 (LCCS2). Also called: Lethal congenital contractural syndrome 2; MULTIPLE CONTRACTURE SYNDROME, ISRAELI BEDOUIN TYPE A. Identifiers: Orphanet 137776, MedGen C1843478, MONDO:0011868, OMIM 607598.

Submission:

Neuberg Centre For Genomic Medicine, NCGM
Classification: Uncertain significance for Lethal congenital contracture syndrome 2. Review status: criteria provided, single submitter. Criteria: ACMG Guidelines, 2015. Collection method: clinical testing. Allele origin: germline. Inheritance: Autosomal recessive inheritance. Affected: yes.
Comment: The missense variant in c.650A>C (p.His217Pro) in ERBB3 gene has not been reported previously as a pathogenic variant nor as a benign variant, to our knowledge. The p.His217Pro variant is novel (not in any individuals) in gnomAD Exomes and 1000 Genomes. The amino acid His at position 217 is changed to a Pro changing protein sequence and it might alter its composition and physico-chemical properties. The variant is predicted to be damaging by SIFT and the residue is conserved across species. The amino acid change p.His217Pro in ERBB3 is predicted as conserved by GERP++ and PhyloP across 100 vertebrates. For these reasons, this variant has been classified as Variant of Uncertain Significance (VUS).